The following is an entry in ClinVar:

NM_000368.5(TSC1):c.3202G>A (p.Gly1068Arg)

Gene: TSC1 (TSC complex subunit 1; minus strand). Cytogenetic location: 9q34.13.
Variant type: single nucleotide variant.
Coding change: c.3202G>A on transcript NM_000368.5 (MANE Select); coding-DNA position 3202, G replaced by A.
Protein change: p.Gly1068Arg; replaces glycine 1068 with arginine.
Molecular consequence: missense variant. On other transcripts: non-coding transcript variant (5).
Genome position (GRCh38, 1-based): chr9:132,896,528, C>T on the plus strand (G>A on the coding strand, the complement: TSC1 is on the minus strand). VCF-style: chr9-132896528-C-T. GRCh37 (hg19) VCF-style: chr9-135771915-C-T.
Other names: c.3199G>A, p.Gly1067Arg (NM_001406598.1, NM_001406599.1, NM_001406600.1 and 2 more transcripts); c.3187G>A, p.Gly1063Arg (NM_001406601.1, NM_001406602.1); c.3184G>A, p.Gly1062Arg (NM_001406603.1, NM_001406604.1); c.3160G>A, p.Gly1054Arg (NM_001406605.1, NM_001406606.1, NM_001406607.1); c.3157G>A, p.Gly1053Arg (NM_001406608.1, NM_001406609.1); c.3049G>A, p.Gly1017Arg (NM_001406610.1, NM_001162427.2); c.3046G>A, p.Gly1016Arg (NM_001406611.1, NM_001406612.1); c.3004G>A, p.Gly1002Arg (NM_001406613.1); and 8 more; short protein forms G717R, G933R, G1016R, G1054R, G1062R, G750R, G947R, G932R.
Identifiers: ClinVar variation 3630745 (VCV003630745.3).
Genomic context (GRCh38, chr9:132,896,528, plus strand): 5'-GGAAGCTTTTTGAACTGGGAAGTGAGCCCACAGTGGTGGGGATGCTGGCAGACGCTTCTC[C>T]CATAGTCGTCTCCCACCGACTGCTGAATGGGCCTGCCCTCTGGTGTGGGGGTTTCTCTGG-3'
Protein context (NP_000359.1, residues 1058-1078): PFSSRWETTM[Gly1068Arg]EASASIPTTV

ClinVar aggregate classification (germline): Uncertain significance. Review status: criteria provided, multiple submitters, no conflicts (2 of 4 stars). 2 submissions from 2 submitters: Uncertain significance (2). Last evaluated 2026-03-09.

Conditions:
Hereditary cancer-predisposing syndrome. Also called: Hereditary Cancer Syndrome; Neoplastic Syndromes, Hereditary; Tumor predisposition; Hereditary neoplastic syndrome. Identifiers: Orphanet 140162, MedGen C0027672, MeSH D009386, MONDO:0015356.
Tuberous sclerosis 1 (TSC1). Identifiers: Orphanet 805, MedGen C1854465, MONDO:0008612, OMIM 191100.

gnomAD v4.1: 2 of 1,614,140 alleles (0.00012%); highest among the groups gnomAD compares: South Asian, 0.0022%; no homozygotes.

Submissions (2):

Ambry Genetics
Classification: Uncertain significance for Hereditary cancer-predisposing syndrome. Last evaluated: 2026-03-09. Review status: criteria provided, single submitter. Criteria: Ambry Variant Classification Scheme 2023. Collection method: clinical testing. Allele origin: germline.
Comment: The p.G1068R variant (also known as c.3202G>A), located in coding exon 21 of the TSC1 gene, results from a G to A substitution at nucleotide position 3202. The glycine at codon 1068 is replaced by arginine, an amino acid with dissimilar properties. This amino acid position is conserved. In addition, this alteration is predicted to be tolerated by in silico analysis. Based on the available evidence, the clinical significance of this variant remains unclear.

Labcorp Genetics (formerly Invitae), Labcorp
Classification: Uncertain significance for Tuberous sclerosis 1. Last evaluated: 2024-11-18. Review status: criteria provided, single submitter. Criteria: Invitae Variant Classification Sherloc (09022015). Collection method: clinical testing. Allele origin: germline.
Comment: This sequence change replaces glycine, which is neutral and non-polar, with arginine, which is basic and polar, at codon 1068 of the TSC1 protein (p.Gly1068Arg). This variant is not present in population databases (gnomAD no frequency). This variant has not been reported in the literature in individuals affected with TSC1-related conditions. Invitae Evidence Modeling of protein sequence and biophysical properties (such as structural, functional, and spatial information, amino acid conservation, physicochemical variation, residue mobility, and thermodynamic stability) indicates that this missense variant is not expected to disrupt TSC1 protein function with a negative predictive value of 95%. In summary, the available evidence is currently insufficient to determine the role of this variant in disease. Therefore, it has been classified as a Variant of Uncertain Significance.